The following is an entry in ClinVar:

NC_000005.9:g.(?_161112996)_(161324428_?)dup

Genes: GABRA1 (gamma-aminobutyric acid type A receptor subunit alpha1; plus strand), GABRA6 (gamma-aminobutyric acid type A receptor subunit alpha6; plus strand). Cytogenetic location: 5q34.
Variant type: Duplication.
Identifiers: ClinVar variation 2423400 (VCV002423400.3).

ClinVar aggregate classification (germline): Uncertain significance (1 of 4 stars; one submission).

Conditions:
Idiopathic generalized epilepsy. Also called: Generalised epilepsy; EIG. Identifiers: MedGen C0270850, MONDO:0005579, OMIM 600669.
Epilepsy, idiopathic generalized, susceptibility to, 13. Also called: EPILEPSY, JUVENILE MYOCLONIC, SUSCEPTIBILITY TO, 5. Identifiers: Orphanet 307, Orphanet 64280, MedGen C4013473, MONDO:0012627, OMIM 611136.
Epilepsy, childhood absence 4 (ECA4). Also called: EPILEPSY, CHILDHOOD ABSENCE, SUSCEPTIBILITY TO, 4. Identifiers: Orphanet 307, MedGen C1970160.

Submission:

Labcorp Genetics (formerly Invitae), Labcorp
Classification: Uncertain significance for Epilepsy, childhood absence 4; Epilepsy, idiopathic generalized, susceptibility to, 13; Idiopathic generalized epilepsy. Last evaluated: 2022-07-12. Review status: criteria provided, single submitter. Criteria: Invitae Variant Classification Sherloc (09022015). Collection method: clinical testing. Allele origin: germline.
Comment: A copy number gain of the genomic region encompassing the full coding sequence of the GABRA1 gene has been identified. The boundaries of this event are unknown as they extend beyond the assayed region for this gene and therefore may encompass additional genes. As the precise location of this event is unknown, it may be in tandem or it may be located elsewhere in the genome. This variant has not been reported in the literature in individuals affected with GABRA1-related conditions. In summary, the available evidence is currently insufficient to determine the role of this variant in disease. Therefore, it has been classified as a Variant of Uncertain Significance.